The following is an entry in ClinVar:

NM_006517.5(SLC16A2):c.524C>T (p.Thr175Ile)

Gene: SLC16A2 (solute carrier family 16 member 2; plus strand). Cytogenetic location: Xq13.2.
Variant type: single nucleotide variant.
Coding change: c.524C>T on transcript NM_006517.5 (MANE Select); coding-DNA position 524, C replaced by T.
Protein change: p.Thr175Ile; replaces threonine 175 with isoleucine.
Molecular consequence: missense variant.
Genome position (GRCh38, 1-based): chrX:74,521,083, C>T. VCF-style: chrX-74521083-C-T. GRCh37 (hg19) VCF-style: chrX-73740918-C-T.
Other names: c.524C>T (NM_006517.4); short protein forms T175I.
Identifiers: ClinVar variation 1384017 (VCV001384017.7), dbSNP rs753832797, ClinGen allele CA10454413.
Genomic context (GRCh38, chrX:74,521,083, plus strand): 5'-TCTTCTGTTCTCCCATTGTGAGTATATTCACTGACCGTTTGGGCTGCCGAATCACAGCAA[C>T]CGCGGGGGCTGCCGTTGCTTTCATTGGCCTCCATACCAGCTCCTTCACCAGGTAAGGCTA-3'
Protein context (NP_006508.2, residues 165-185): TDRLGCRITA[Thr175Ile]AGAAVAFIGL

ClinVar aggregate classification (germline): Uncertain significance. Review status: criteria provided, multiple submitters, no conflicts (2 of 4 stars). 2 submissions from 2 submitters: Uncertain significance (2). Last evaluated 2025-03-11.

Conditions:
Spastic paraplegia. Identifiers: MedGen C0037772, HP:0001258.

Allele frequency attached by ClinVar (database versions not stated): ExAC 0.00001; gnomAD exomes 0.00001.

Submissions (2):

GeneDx
Classification: Uncertain significance. Last evaluated: 2025-03-11. Review status: criteria provided, single submitter. Criteria: GeneDx Variant Classification Process June 2021. Collection method: clinical testing. Allele origin: germline. Affected: yes.
Comment: In silico analysis supports that this missense variant has a deleterious effect on protein structure/function; Has not been previously published as pathogenic or benign to our knowledge

Labcorp Genetics (formerly Invitae), Labcorp
Classification: Uncertain significance for Spastic paraplegia. Last evaluated: 2024-08-16. Review status: criteria provided, single submitter. Criteria: Invitae Variant Classification Sherloc (09022015). Collection method: clinical testing. Allele origin: germline.
Comment: This sequence change replaces threonine, which is neutral and polar, with isoleucine, which is neutral and non-polar, at codon 175 of the SLC16A2 protein (p.Thr175Ile). This variant is present in population databases (rs753832797, gnomAD no frequency). This variant has not been reported in the literature in individuals affected with SLC16A2-related conditions. ClinVar contains an entry for this variant (Variation ID: 1384017). Invitae Evidence Modeling of protein sequence and biophysical properties (such as structural, functional, and spatial information, amino acid conservation, physicochemical variation, residue mobility, and thermodynamic stability) indicates that this missense variant is not expected to disrupt SLC16A2 protein function with a negative predictive value of 80%. In summary, the available evidence is currently insufficient to determine the role of this variant in disease. Therefore, it has been classified as a Variant of Uncertain Significance.